The following is an entry in ClinVar:

ClinVar aggregate classification (germline): Uncertain significance (1 of 4 stars; one submission).

Conditions:
Progressive myoclonic epilepsy. Also called: Familial progressive myoclonic epilepsy; Myoclonus epilepsy; Progressive myoclonus epilepsy; Myoclonic Epilepsies, Progressive. Identifiers: Orphanet 308, Orphanet 98261, MedGen C0751778, MONDO:0020074.

Allele frequency attached by ClinVar (database versions not stated): gnomAD exomes below 0.00001 and 0.00001; TOPMed below 0.00001; ExAC 0.00002.
gnomAD v4.1: 1 of 1,613,956 alleles (0.000062%); highest among the groups gnomAD compares: East Asian, 0.0022%; no homozygotes.

Submission:

Labcorp Genetics (formerly Invitae), Labcorp
Classification: Uncertain significance for Progressive myoclonic epilepsy. Last evaluated: 2022-10-24. Review status: criteria provided, single submitter. Criteria: Invitae Variant Classification Sherloc (09022015). Collection method: clinical testing. Allele origin: germline.
Comment: This sequence change replaces phenylalanine, which is neutral and non-polar, with leucine, which is neutral and non-polar, at codon 339 of the SCARB2 protein (p.Phe339Leu). This variant is present in population databases (rs780194648, gnomAD 0.02%). This variant has not been reported in the literature in individuals affected with SCARB2-related conditions. ClinVar contains an entry for this variant (Variation ID: 1431068). Advanced modeling of protein sequence and biophysical properties (such as structural, functional, and spatial information, amino acid conservation, physicochemical variation, residue mobility, and thermodynamic stability) performed at Invitae indicates that this missense variant is not expected to disrupt SCARB2 protein function. In summary, the available evidence is currently insufficient to determine the role of this variant in disease. Therefore, it has been classified as a Variant of Uncertain Significance.

NM_005506.4(SCARB2):c.1015T>C (p.Phe339Leu)

Gene: SCARB2 (scavenger receptor class B member 2; minus strand). Cytogenetic location: 4q21.1.
Variant type: single nucleotide variant.
Coding change: c.1015T>C on transcript NM_005506.4 (MANE Select); coding-DNA position 1015, T replaced by C.
Protein change: p.Phe339Leu; replaces phenylalanine 339 with leucine.
Molecular consequence: missense variant.
Genome position (GRCh38, 1-based): chr4:76,169,965, A>G on the plus strand (T>C on the coding strand, the complement: SCARB2 is on the minus strand). VCF-style: chr4-76169965-A-G. GRCh37 (hg19) VCF-style: chr4-77091118-A-G.
Other names: c.586T>C, p.Phe196Leu (NM_001204255.2); short protein forms F339L, F196L.
Identifiers: ClinVar variation 1431068 (VCV001431068.6), dbSNP rs780194648, ClinGen allele CA2970195.
Genomic context (GRCh38, chr4:76,169,965, plus strand): 5'-TTGGGTGCATGCCTTCTATGGCAGAAACAAACCTCTCATCTGCTTGGTAAAAGTGTGGGA[A>G]AGACATAATGATGGGTGCACCTGCATTTGAAGGAAAACAGAAATGAATGATGCTGTTTTT-3'
Protein context (NP_005497.1, residues 329-349): CKNGAPIIMS[Phe339Leu]PHFYQADERF